The following is an entry in ClinVar:

NM_007294.4(BRCA1):c.181T>A (p.Cys61Ser)

Gene: BRCA1 (BRCA1 DNA repair associated; minus strand). Cytogenetic location: 17q21.31.
Variant type: single nucleotide variant.
Coding change: c.181T>A on transcript NM_007294.4 (MANE Select); coding-DNA position 181, T replaced by A.
Protein change: p.Cys61Ser; replaces cysteine 61 with serine.
Molecular consequence: missense variant. On other transcripts: non-coding transcript variant (1).
Genome position (GRCh38, 1-based): chr17:43,106,487, A>T on the plus strand (T>A on the coding strand, the complement: BRCA1 is on the minus strand). VCF-style: chr17-43106487-A-T. GRCh37 (hg19) VCF-style: chr17-41258504-A-T.
Other names: c.-8T>A (NM_001407571.1, NM_001408478.1, NM_001408479.1 and 58 more transcripts); c.181T>A, p.Cys61Ser (NM_001407581.1, NM_001407582.1, NM_001407583.1 and 168 more transcripts); c.40T>A, p.Cys14Ser (NM_001408410.1, NM_001408452.1, NM_001408453.1 and 99 more transcripts); short protein forms C61S, C14S.
Identifiers: ClinVar variation 54359 (VCV000054359.9), dbSNP rs28897672, ClinGen allele CA001180.

ClinVar aggregate classification (germline): Pathogenic. Review status: criteria provided, multiple submitters, no conflicts (2 of 4 stars). 2 submissions from 2 submitters: Pathogenic (2). Last evaluated 2020-04-02.

Conditions:
Breast-ovarian cancer, familial, susceptibility to, 1 (BROVCA1). Also called: OVARIAN CANCER, SUSCEPTIBILITY TO; BRCA1 Hereditary Breast and Ovarian Cancer. Identifiers: Orphanet 145, MedGen C2676676, MONDO:0011450, OMIM 604370. Disease mechanism: loss of function.

Submissions (3):

Department of Molecular Diagnostics, Institute of Oncology Ljubljana
Classification: Pathogenic for Breast-ovarian cancer, familial, susceptibility to, 1. Last evaluated: 2020-04-02. Review status: criteria provided, single submitter. Criteria: ACMG Guidelines, 2015. Collection method: clinical testing. Allele origin: germline. Affected: yes.

Consortium of Investigators of Modifiers of BRCA1/2 (CIMBA), c/o University of Cambridge
Classification: Pathogenic for Breast-ovarian cancer, familial, susceptibility to, 1. Last evaluated: 2015-10-02. Review status: criteria provided, single submitter. Criteria: CIMBA Mutation Classification guidelines May 2016. Collection method: clinical testing. Allele origin: germline.

Brotman Baty Institute, University of Washington
No classification provided (evidence only). Condition: Breast-ovarian cancer, familial 1. Review status: no classification provided. Collection method: in vitro. Allele origin: not applicable. Functional consequence: functionally_abnormal. Not counted in ClinVar's aggregate classification.
ClinVar note: "not provided" was previously submitted as the classification for the variant. However, the classification appeared to be based only on an observation of functional data so it was converted to no classification on 2025-07-30.